The following is an entry in ClinVar:

NM_001292063.2(OTOG):c.5315C>T (p.Ala1772Val)

Gene: OTOG (otogelin; plus strand). Cytogenetic location: 11p15.1.
Variant type: single nucleotide variant.
Coding change: c.5315C>T on transcript NM_001292063.2 (MANE Select); coding-DNA position 5315, C replaced by T.
Protein change: p.Ala1772Val; replaces alanine 1772 with valine.
Molecular consequence: missense variant.
Genome position (GRCh38, 1-based): chr11:17,610,615, C>T. VCF-style: chr11-17610615-C-T. GRCh37 (hg19) VCF-style: chr11-17632162-C-T.
Other names: c.5351C>T, p.Ala1784Val (NM_001277269.2); short protein forms A1772V, A1784V.
Identifiers: ClinVar variation 3573782 (VCV003573782.1).
Genomic context (GRCh38, chr11:17,610,615, plus strand): 5'-CAGCCCAGCATACCACCATGGCCACCAGGTCTCCAGCTCTGCCCCCAGAGACCCCAGCTG[C>T]CGCCAGCCTGTCAACAGCCACTGATGGGCTGGCAGCCACACCCTTCATGTCCCTTGAGTC-3'
Protein context (NP_001278992.1, residues 1762-1782): SPALPPETPA[Ala1772Val]ASLSTATDGL

ClinVar aggregate classification (germline): Uncertain significance (1 of 4 stars; one submission).

gnomAD v4.1: 3 of 1,550,716 alleles (0.00019%); highest among the groups gnomAD compares: East Asian, 0.0049%; no homozygotes.

Submission:

GeneDx
Classification: Uncertain significance. Last evaluated: 2024-07-19. Review status: criteria provided, single submitter. Criteria: GeneDx Variant Classification Process June 2021. Collection method: clinical testing. Allele origin: germline. Affected: yes.
Comment: In silico analysis indicates that this missense variant does not alter protein structure/function; Has not been previously published as pathogenic or benign to our knowledge